The following is an entry in ClinVar:

ClinVar aggregate classification (germline): Uncertain significance (1 of 4 stars; one submission).

Conditions:
Ataxia-telangiectasia syndrome (AT). Also called: ATAXIA-TELANGIECTASIA, COMPLEMENTATION GROUP A; ATAXIA-TELANGIECTASIA, FRESNO VARIANT; Ataxia-telangiectasia; Ataxia-telangiectasia, complementation group D; AT, COMPLEMENTATION GROUP C; Ataxia-telangiectasia, complementation group E. Identifiers: Orphanet 100, MedGen C0004135, MONDO:0008840, OMIM 208900.

Submission:

Labcorp Genetics (formerly Invitae), Labcorp
Classification: Uncertain significance for Ataxia-telangiectasia syndrome. Last evaluated: 2019-02-08. Review status: criteria provided, single submitter. Criteria: Invitae Variant Classification Sherloc (09022015). Collection method: clinical testing. Allele origin: germline.
Comment: This variant has not been reported in the literature in individuals with ATM-related conditions. In summary, the available evidence is currently insufficient to determine the role of this variant in disease. Therefore, it has been classified as a Variant of Uncertain Significance. Algorithms developed to predict the effect of missense changes on protein structure and function (SIFT, PolyPhen-2, Align-GVGD) all suggest that this variant is likely to be disruptive, but these predictions have not been confirmed by published functional studies and their clinical significance is uncertain. This variant is not present in population databases (ExAC no frequency). This sequence change replaces phenylalanine with cysteine at codon 2690 of the ATM protein (p.Phe2690Cys). The phenylalanine residue is highly conserved and there is a large physicochemical difference between phenylalanine and cysteine.

NM_000051.4(ATM):c.8069T>G (p.Phe2690Cys)

Genes: ATM (ATM serine/threonine kinase; plus strand), C11orf65 (chromosome 11 open reading frame 65; minus strand). Cytogenetic location: 11q22.3.
Variant type: single nucleotide variant.
Coding change: c.8069T>G on transcript NM_000051.4 (MANE Select); coding-DNA position 8069, T replaced by G.
Protein change: p.Phe2690Cys; replaces phenylalanine 2690 with cysteine.
Molecular consequence: missense variant. On other transcripts: intron variant (2).
Genome position (GRCh38, 1-based): chr11:108,335,027, T>G. VCF-style: chr11-108335027-T-G. GRCh37 (hg19) VCF-style: chr11-108205754-T-G.
Other names: c.8069T>G, p.Phe2690Cys (NM_001351834.2); c.641-25956A>C (NM_001330368.2); c.*38+193A>C (NM_001351110.2); short protein forms F2690C.
Identifiers: ClinVar variation 847331 (VCV000847331.10), dbSNP rs2086677926, ClinGen allele CA382561995.
Genomic context (GRCh38, chr11:108,335,027, plus strand): 5'-AGGTGGACCACACAGGAGAATATGGAAATCTGGTGACTATACAGTCATTTAAAGCAGAAT[T>G]TCGCTTAGCAGGAGGTGTAAATTTACCAAAAATAATAGATTGTGTAGGTTCCGATGGCAA-3'
Protein context (NP_000042.3, residues 2680-2700): LVTIQSFKAE[Phe2690Cys]RLAGGVNLPK